The following is an entry in ClinVar:

ClinVar aggregate classification (germline): Benign/Likely benign. Review status: criteria provided, multiple submitters, no conflicts (2 of 4 stars). 2 submissions from 2 submitters: Benign (1); Likely benign (1). Last evaluated 2024-12-17.

Conditions:
Hereditary cancer-predisposing syndrome. Also called: Neoplastic Syndromes, Hereditary; Tumor predisposition; Hereditary Cancer Syndrome; Hereditary neoplastic syndrome. Identifiers: Orphanet 140162, MedGen C0027672, MeSH D009386, MONDO:0015356.
Lynch syndrome 5 (LYNCH5). Also called: Colorectal cancer, hereditary nonpolyposis, type 5; Hereditary non-polyposis colorectal cancer, type 5. Identifiers: Orphanet 144, MedGen C1833477, MONDO:0013710, OMIM 614350. Disease mechanism: loss of function.

gnomAD v4.1: 1 of 1,507,464 alleles (0.000066%); highest among the groups gnomAD compares: Non-Finnish European, 0.000088%; no homozygotes.

Submissions (2):

Myriad Genetics, Inc.
Classification: Benign for Lynch syndrome 5. Last evaluated: 2024-12-17. Review status: criteria provided, single submitter. Criteria: Myriad Autosomal Dominant, Autosomal Recessive and X-Linked Classification Criteria (2023). Collection method: clinical testing. Allele origin: unknown.
Comment: This variant is considered benign. This variant is a silent/synonymous amino acid change and it is not expected to impact splicing.

Ambry Genetics
Classification: Likely benign for Hereditary cancer-predisposing syndrome. Last evaluated: 2014-10-14. Review status: criteria provided, single submitter. Criteria: Ambry Variant Classification Scheme 2023. Collection method: clinical testing. Allele origin: germline.

NM_000179.3(MSH6):c.192G>T (p.Ala64=)

Gene: MSH6 (mutS homolog 6; plus strand). Cytogenetic location: 2p16.3.
Variant type: single nucleotide variant.
Coding change: c.192G>T on transcript NM_000179.3 (MANE Select); coding-DNA position 192, G replaced by T.
Protein change: p.Ala64=; no amino-acid change (alanine 64 retained).
Molecular consequence: synonymous variant. On other transcripts: 5 prime UTR variant (1).
Genome position (GRCh38, 1-based): chr2:47,783,425, G>T. VCF-style: chr2-47783425-G-T. GRCh37 (hg19) VCF-style: chr2-48010564-G-T.
Other names: c.192G>T, p.Ala64= (NM_001281492.2); c.-545G>T (NM_001281493.2).
Identifiers: ClinVar variation 186734 (VCV000186734.6), dbSNP rs786203178, ClinGen allele CA009469.